The following is an entry in ClinVar:

NM_001127222.2(CACNA1A):c.2608G>T (p.Asp870Tyr)

Gene: CACNA1A (calcium voltage-gated channel subunit alpha1 A; minus strand). Cytogenetic location: 19p13.13.
Variant type: single nucleotide variant.
Coding change: c.2608G>T on transcript NM_001127222.2 (MANE Select); coding-DNA position 2608, G replaced by T.
Protein change: p.Asp870Tyr; replaces aspartic acid 870 with tyrosine.
Molecular consequence: missense variant.
Genome position (GRCh38, 1-based): chr19:13,299,025, C>A on the plus strand (G>T on the coding strand, the complement: CACNA1A is on the minus strand). VCF-style: chr19-13299025-C-A. GRCh37 (hg19) VCF-style: chr19-13409839-C-A.
Other names: c.2620G>T, p.Asp874Tyr (NM_000068.4, NM_023035.3); c.2611G>T, p.Asp871Tyr (NM_001127221.2, NM_001174080.2); short protein forms D874Y, D870Y, D871Y.
Identifiers: ClinVar variation 1793808 (VCV001793808.2), dbSNP rs1273480766, ClinGen allele CA404343083.

ClinVar aggregate classification (germline): Uncertain significance (1 of 4 stars; one submission).

Conditions:
Inborn genetic diseases. Identifiers: MedGen C0950123, MeSH D030342.

Allele frequency attached by ClinVar (database versions not stated): gnomAD exomes below 0.00001; TOPMed 0.00001.
gnomAD v4.1: 2 of 1,591,542 alleles (0.00013%); no homozygotes.

Submission:

Ambry Genetics
Classification: Uncertain significance for Inborn genetic diseases. Last evaluated: 2018-01-19. Review status: criteria provided, single submitter. Criteria: Ambry Variant Classification Scheme 2023. Collection method: clinical testing. Allele origin: germline.
Comment: The p.D871Y variant (also known as c.2611G>T), located in coding exon 19 of the CACNA1A gene, results from a G to T substitution at nucleotide position 2611. The aspartic acid at codon 871 is replaced by tyrosine, an amino acid with highly dissimilar properties. This amino acid position is not well conserved in available vertebrate species. In addition, the in silico prediction for this alteration is inconclusive. Since supporting evidence is limited at this time, the clinical significance of this alteration remains unclear.